The following is an entry in ClinVar:

ClinVar aggregate classification (germline): Uncertain significance (1 of 4 stars; one submission).

Allele frequency attached by ClinVar (database versions not stated): gnomAD exomes below 0.00001.

Submission:

Labcorp Genetics (formerly Invitae), Labcorp
Classification: Uncertain significance. Last evaluated: 2021-07-24. Review status: criteria provided, single submitter. Criteria: Invitae Variant Classification Sherloc (09022015). Collection method: clinical testing. Allele origin: germline.
Comment: This variant is not present in population databases (ExAC no frequency). This sequence change replaces glycine with aspartic acid at codon 287 of the LOR protein (p.Gly287Asp). The glycine residue is highly conserved and there is a moderate physicochemical difference between glycine and aspartic acid. This variant has not been reported in the literature in individuals affected with LOR-related conditions. In summary, the available evidence is currently insufficient to determine the role of this variant in disease. Therefore, it has been classified as a Variant of Uncertain Significance. Algorithms developed to predict the effect of missense changes on protein structure and function are either unavailable or do not agree on the potential impact of this missense change (SIFT: "Deleterious"; PolyPhen-2: "Not Available"; Align-GVGD: "Class C65").

NM_000427.3(LORICRIN):c.860G>A (p.Gly287Asp)

Gene: LORICRIN (loricrin cornified envelope precursor protein; plus strand). Cytogenetic location: 1q21.3.
Variant type: single nucleotide variant.
Coding change: c.860G>A on transcript NM_000427.3 (MANE Select); coding-DNA position 860, G replaced by A.
Protein change: p.Gly287Asp; replaces glycine 287 with aspartic acid.
Molecular consequence: missense variant.
Genome position (GRCh38, 1-based): chr1:153,261,809, G>A. VCF-style: chr1-153261809-G-A. GRCh37 (hg19) VCF-style: chr1-153234285-G-A.
Other names: short protein forms G287D.
Identifiers: ClinVar variation 1961558 (VCV001961558.5), dbSNP rs1326338713, ClinGen allele CA342507809.